The following is an entry in ClinVar:

ClinVar aggregate classification (germline): Uncertain significance. Review status: criteria provided, multiple submitters, no conflicts (2 of 4 stars). 4 submissions from 3 submitters: Uncertain significance (4). Last evaluated 2025-01-13.

Conditions:
Cone-rod dystrophy 10 (CORD10). Identifiers: Orphanet 1872, MedGen C1846529, MONDO:0012464, OMIM 610283.
Retinitis pigmentosa 35 (RP35). Identifiers: Orphanet 791, MedGen C1853214, MONDO:0012463, OMIM 610282.

Submissions (4):

Labcorp Genetics (formerly Invitae), Labcorp
Classification: Uncertain significance. Last evaluated: 2025-01-13. Review status: criteria provided, single submitter. Criteria: Invitae Variant Classification Sherloc (09022015). Collection method: clinical testing. Allele origin: germline.
Comment: This sequence change creates a premature translational stop signal (p.Glu726Glyfs*6) in the SEMA4A gene. While this is not anticipated to result in nonsense mediated decay, it is expected to disrupt the last 36 amino acid(s) of the SEMA4A protein. This variant is present in population databases (rs780625314, gnomAD 0.007%). This variant has not been reported in the literature in individuals affected with SEMA4A-related conditions. ClinVar contains an entry for this variant (Variation ID: 866935). Experimental studies and prediction algorithms are not available or were not evaluated, and the functional significance of this variant is currently unknown. In summary, the available evidence is currently insufficient to determine the role of this variant in disease. Therefore, it has been classified as a Variant of Uncertain Significance.

Genome-Nilou Lab
Classification: Uncertain significance for Cone-rod dystrophy 10. Last evaluated: 2023-04-11. Review status: criteria provided, single submitter. Criteria: ACMG Guidelines, 2015. Collection method: clinical testing. Allele origin: germline. Affected: no.

Genome-Nilou Lab
Classification: Uncertain significance for Retinitis pigmentosa 35. Last evaluated: 2023-04-11. Review status: criteria provided, single submitter. Criteria: ACMG Guidelines, 2015. Collection method: clinical testing. Allele origin: germline. Affected: no.

Blueprint Genetics
Classification: Uncertain significance. Last evaluated: 2022-10-13. Review status: criteria provided, single submitter. Criteria: ACMG Guidelines, 2015. Collection method: clinical testing. Allele origin: germline.

NM_022367.4(SEMA4A):c.2175_2176dup (p.Glu726fs)

Gene: SEMA4A (semaphorin 4A; plus strand). Cytogenetic location: 1q22.
Variant type: Duplication.
Coding change: c.2175_2176dup on transcript NM_022367.4 (MANE Select); coding-DNA positions 2175 to 2176, 2 bases duplicated (GG; older notation c.2175_2176dupGG).
Protein change: p.Glu726fs; shifts the reading frame from glutamic acid 726.
Molecular consequence: frameshift variant.
Genome position (GRCh38, 1-based): chr1:156,176,886-156,176,887, GG duplicated; duplicating any 2 consecutive bases within chr1:156,176,884-156,176,887 gives the same sequence; the c. name uses the placement nearest the transcript's 3' end. VCF-style (leftmost placement, unchanged base first): chr1-156176883-T-TGG. GRCh37 (hg19) VCF-style: chr1-156146674-T-TGG.
Other names: c.2175_2176dup, p.Glu726fs (NM_001193300.2, NM_001193301.2, NM_001370567.1); c.1779_1780dup, p.Glu594fs (NM_001193302.2); c.1878_1879dup, p.Glu627fs (NM_001370568.1); c.1668_1669dup, p.Glu557fs (NM_001370569.1, NM_001370571.1); short protein forms E594fs, E627fs, E557fs, E726fs.
Identifiers: ClinVar variation 866935 (VCV000866935.9), dbSNP rs780625314, ClinGen allele CA1155544.